The following is an entry in ClinVar:

NM_004186.5(SEMA3F):c.1069G>A (p.Ala357Thr)

Gene: SEMA3F (semaphorin 3F; plus strand). Cytogenetic location: 3p21.31.
Variant type: single nucleotide variant.
Coding change: c.1069G>A on transcript NM_004186.5 (MANE Select); coding-DNA position 1069, G replaced by A.
Protein change: p.Ala357Thr; replaces alanine 357 with threonine.
Molecular consequence: missense variant.
Genome position (GRCh38, 1-based): chr3:50,183,236, G>A. VCF-style: chr3-50183236-G-A. GRCh37 (hg19) VCF-style: chr3-50220669-G-A.
Other names: c.1069G>A (NM_004186.4); c.772G>A, p.Ala258Thr (NM_001318798.2); c.976G>A, p.Ala326Thr (NM_001318800.2); short protein forms A258T, A326T, A357T.
Identifiers: ClinVar variation 3952087 (VCV003952087.2).

ClinVar aggregate classification (germline): Uncertain significance. Review status: criteria provided, multiple submitters, no conflicts (2 of 4 stars). 2 submissions from 2 submitters: Uncertain significance (2). Last evaluated 2026-04-13.

Conditions:
SEMA3F-related disorder. Also called: SEMA3F-related condition.

Submissions (2):

PreventionGenetics, part of Exact Sciences
Classification: Uncertain significance for SEMA3F-related condition. Last evaluated: 2026-04-13. Review status: criteria provided, single submitter. Criteria: ACMG Guidelines, 2015. Collection method: clinical testing. Allele origin: germline.
Comment: The SEMA3F c.1069G>A variant is predicted to result in the amino acid substitution p.Ala357Thr. To our knowledge, this variant has not been reported in the literature. This variant is reported in 0.016% of alleles in individuals of East Asian descent in gnomAD. At this time, the clinical significance of this variant is uncertain due to the absence of conclusive functional and genetic evidence.

Ambry Genetics
Classification: Uncertain significance. Last evaluated: 2025-05-01. Review status: criteria provided, single submitter. Criteria: Ambry Variant Classification Scheme 2023. Collection method: clinical testing. Allele origin: germline.